The following is an entry in ClinVar:

NM_182931.3(KMT2E):c.4540A>G (p.Thr1514Ala)

Gene: KMT2E (lysine methyltransferase 2E (inactive); plus strand). Cytogenetic location: 7q22.3.
Variant type: single nucleotide variant.
Coding change: c.4540A>G on transcript NM_182931.3 (MANE Select); coding-DNA position 4540, A replaced by G.
Protein change: p.Thr1514Ala; replaces threonine 1514 with alanine.
Molecular consequence: missense variant.
Genome position (GRCh38, 1-based): chr7:105,112,296, A>G. VCF-style: chr7-105112296-A-G. GRCh37 (hg19) VCF-style: chr7-104752743-A-G.
Other names: c.4414A>G, p.Thr1472Ala (NM_001410908.1); c.4540A>G, p.Thr1514Ala (NM_018682.4); c.4540A>G (NM_182931.2); short protein forms T1472A, T1514A.
Identifiers: ClinVar variation 2416309 (VCV002416309.11), dbSNP rs746208782, ClinGen allele CA4424774.

ClinVar aggregate classification (germline): Uncertain significance. Review status: criteria provided, multiple submitters, no conflicts (2 of 4 stars). 3 submissions from 3 submitters: Uncertain significance (3). Last evaluated 2025-08-11.

Conditions:
Inborn genetic diseases. Identifiers: MedGen C0950123, MeSH D030342.
O'Donnell-Luria-Rodan syndrome (ODLURO). Also called: KMT2E-Related Neurodevelopmental Disorder. Identifiers: MedGen C5193138, MONDO:0032793, OMIM 618512.

Allele frequency attached by ClinVar (database versions not stated): ExAC 0.00001; gnomAD exomes 0.00001; TOPMed 0.00002; gnomAD 0.00003.
gnomAD v4.1: 21 of 1,613,962 alleles (0.0013%); highest among the groups gnomAD compares: Non-Finnish European, 0.0018%; no homozygotes.

Submissions (3):

Labcorp Genetics (formerly Invitae), Labcorp
Classification: Uncertain significance. Last evaluated: 2025-08-11. Review status: criteria provided, single submitter. Criteria: Invitae Variant Classification Sherloc (09022015). Collection method: clinical testing. Allele origin: germline.
Comment: This sequence change replaces threonine, which is neutral and polar, with alanine, which is neutral and non-polar, at codon 1514 of the KMT2E protein (p.Thr1514Ala). This variant is present in population databases (rs746208782, gnomAD 0.0009%). This variant has not been reported in the literature in individuals affected with KMT2E-related conditions. ClinVar contains an entry for this variant (Variation ID: 2416309). An algorithm developed to predict the effect of missense changes on protein structure and function outputs the following: PolyPhen-2: "Benign". The alanine amino acid residue is found in multiple mammalian species, which suggests that this missense change does not adversely affect protein function. In summary, the available evidence is currently insufficient to determine the role of this variant in disease. Therefore, it has been classified as a Variant of Uncertain Significance.

Ambry Genetics
Classification: Uncertain significance for Inborn genetic diseases. Last evaluated: 2024-01-24. Review status: criteria provided, single submitter. Criteria: Ambry Variant Classification Scheme 2023. Collection method: clinical testing. Allele origin: germline.

Revvity Omics, Revvity
Classification: Uncertain significance for O'Donnell-Luria-Rodan syndrome. Last evaluated: 2021-09-17. Review status: criteria provided, single submitter. Criteria: ACMG Guidelines, 2015. Collection method: clinical testing. Allele origin: germline.